The following is an entry in ClinVar:

NM_005198.5(CHKB):c.163G>T (p.Glu55Ter)

Genes: CHKB-CPT1B (CHKB-CPT1B readthrough (NMD candidate); minus strand), CHKB (choline kinase beta; minus strand). Cytogenetic location: 22q13.33.
Variant type: single nucleotide variant.
Coding change: c.163G>T on transcript NM_005198.5 (MANE Select); coding-DNA position 163, G replaced by T.
Protein change: p.Glu55Ter; replaces glutamic acid 55 with a stop codon.
Molecular consequence: nonsense. On other transcripts: non-coding transcript variant (1).
Genome position (GRCh38, 1-based): chr22:50,582,619, C>A on the plus strand (G>T on the coding strand, the complement: CHKB is on the minus strand). VCF-style: chr22-50582619-C-A. GRCh37 (hg19) VCF-style: chr22-51021048-C-A.
Other names: short protein forms E55*.
Identifiers: ClinVar variation 1423507 (VCV001423507.6), dbSNP rs1045370021, ClinGen allele CA325540844.

ClinVar aggregate classification (germline): Pathogenic (1 of 4 stars; one submission).

Conditions:
Megaconial type congenital muscular dystrophy (MDCMC). Also called: MUSCULAR DYSTROPHY, CONGENITAL, WITH MITOCHONDRIAL STRUCTURAL ABNORMALITIES; CHKB-Related Muscular Dystrophy; CHKB-Related Muscle Diseases. Identifiers: Orphanet 280671, MedGen C1865233, MONDO:0011246, OMIM 602541.

Allele frequency attached by ClinVar (database versions not stated): gnomAD exomes below 0.00001; TOPMed 0.00001.

Submission:

Labcorp Genetics (formerly Invitae), Labcorp
Classification: Pathogenic for Megaconial type congenital muscular dystrophy. Last evaluated: 2021-02-15. Review status: criteria provided, single submitter. Criteria: Invitae Variant Classification Sherloc (09022015). Collection method: clinical testing. Allele origin: germline.
Comment: For these reasons, this variant has been classified as Pathogenic. Algorithms developed to predict the effect of sequence changes on RNA splicing suggest that this variant may create or strengthen a splice site, but this prediction has not been confirmed by published transcriptional studies. This variant has not been reported in the literature in individuals with CHKB-related conditions. This variant is not present in population databases (ExAC no frequency). This sequence change creates a premature translational stop signal (p.Glu55*) in the CHKB gene. It is expected to result in an absent or disrupted protein product. Loss-of-function variants in CHKB are known to be pathogenic (PMID: 21665002).

Literature cited by the submitters: PubMed 21665002.